The following is an entry in ClinVar:

NM_019098.5(CNGB3):c.787A>C (p.Ile263Leu)

Gene: CNGB3 (cyclic nucleotide gated channel subunit beta 3; minus strand). Cytogenetic location: 8q21.3.
Variant type: single nucleotide variant.
Coding change: c.787A>C on transcript NM_019098.5 (MANE Select); coding-DNA position 787, A replaced by C.
Protein change: p.Ile263Leu; replaces isoleucine 263 with leucine.
Molecular consequence: missense variant.
Genome position (GRCh38, 1-based): chr8:86,666,990, T>G on the plus strand (A>C on the coding strand, the complement: CNGB3 is on the minus strand). VCF-style: chr8-86666990-T-G. GRCh37 (hg19) VCF-style: chr8-87679218-T-G.
Other names: short protein forms I263L.
Identifiers: ClinVar variation 1418318 (VCV001418318.6), dbSNP rs1823752219, ClinGen allele CA371449383.

ClinVar aggregate classification (germline): Uncertain significance (1 of 4 stars; one submission).

Submission:

Labcorp Genetics (formerly Invitae), Labcorp
Classification: Uncertain significance. Last evaluated: 2025-03-03. Review status: criteria provided, single submitter. Criteria: Invitae Variant Classification Sherloc (09022015). Collection method: clinical testing. Allele origin: germline.
Comment: This sequence change replaces isoleucine, which is neutral and non-polar, with leucine, which is neutral and non-polar, at codon 263 of the CNGB3 protein (p.Ile263Leu). This variant is not present in population databases (gnomAD no frequency). This variant has not been reported in the literature in individuals affected with CNGB3-related conditions. ClinVar contains an entry for this variant (Variation ID: 1418318). Invitae Evidence Modeling of protein sequence and biophysical properties (such as structural, functional, and spatial information, amino acid conservation, physicochemical variation, residue mobility, and thermodynamic stability) indicates that this missense variant is not expected to disrupt CNGB3 protein function with a negative predictive value of 95%. In summary, the available evidence is currently insufficient to determine the role of this variant in disease. Therefore, it has been classified as a Variant of Uncertain Significance.